The following is an entry in ClinVar:

ClinVar aggregate classification (germline): Uncertain significance (1 of 4 stars; one submission).

gnomAD v4.1: 15 of 1,613,994 alleles (0.00093%); highest among the groups gnomAD compares: Middle Eastern, 0.016%; no homozygotes.

Submission:

Labcorp Genetics (formerly Invitae), Labcorp
Classification: Uncertain significance. Last evaluated: 2023-11-27. Review status: criteria provided, single submitter. Criteria: Invitae Variant Classification Sherloc (09022015). Collection method: clinical testing. Allele origin: germline.
Comment: This sequence change replaces proline, which is neutral and non-polar, with leucine, which is neutral and non-polar, at codon 1575 of the TUBGCP6 protein (p.Pro1575Leu). This variant is present in population databases (rs760094171, gnomAD 0.007%). This variant has not been reported in the literature in individuals affected with TUBGCP6-related conditions. An algorithm developed to predict the effect of missense changes on protein structure and function (PolyPhen-2) suggests that this variant is likely to be disruptive. In summary, the available evidence is currently insufficient to determine the role of this variant in disease. Therefore, it has been classified as a Variant of Uncertain Significance.

NM_020461.4(TUBGCP6):c.4724C>T (p.Pro1575Leu)

Gene: TUBGCP6 (tubulin gamma complex component 6; minus strand). Cytogenetic location: 22q13.33.
Variant type: single nucleotide variant.
Coding change: c.4724C>T on transcript NM_020461.4 (MANE Select); coding-DNA position 4724, C replaced by T.
Protein change: p.Pro1575Leu; replaces proline 1575 with leucine.
Molecular consequence: missense variant.
Genome position (GRCh38, 1-based): chr22:50,218,800, G>A on the plus strand (C>T on the coding strand, the complement: TUBGCP6 is on the minus strand). VCF-style: chr22-50218800-G-A. GRCh37 (hg19) VCF-style: chr22-50657229-G-A.
Other names: short protein forms P1575L.
Identifiers: ClinVar variation 2959449 (VCV002959449.3), dbSNP rs760094171, ClinGen allele CA10307367.
Genomic context (GRCh38, chr22:50,218,800, plus strand): 5'-GCGTTGGGGGCAAACACCTCGGGCAGGTACTTGAGAGCGAGGGAGAGGTTGGAGGCGTGC[G>A]GGGTGTCCCCATGCAGGCTGCACTGCAGGGCCTTGCTCAGCACAGAGTTCAGCACCAGCG-3'
Protein context (NP_065194.3, residues 1565-1585): ALQCSLHGDT[Pro1575Leu]HASNLSLALK